The following is an entry in ClinVar:

NM_001378615.1(CC2D2A):c.3989G>A (p.Arg1330Gln)

Genes: CC2D2A (coiled-coil and C2 domain containing 2A; plus strand), FBXL5 (F-box and leucine rich repeat protein 5; minus strand). Cytogenetic location: 4p15.32.
Variant type: single nucleotide variant.
Coding change: c.3989G>A on transcript NM_001378615.1 (MANE Select); coding-DNA position 3989, G replaced by A.
Protein change: p.Arg1330Gln; replaces arginine 1330 with glutamine.
Molecular consequence: missense variant.
Genome position (GRCh38, 1-based): chr4:15,586,170, G>A. VCF-style: chr4-15586170-G-A. GRCh37 (hg19) VCF-style: chr4-15587793-G-A.
Other names: c.3989G>A, p.Arg1330Gln (NM_001080522.2); c.3842G>A, p.Arg1281Gln (NM_001378617.1); short protein forms R1330Q, R1281Q.
Identifiers: ClinVar variation 217612 (VCV000217612.17), dbSNP rs763486732, ClinGen allele CA210320.

ClinVar aggregate classification (germline): Conflicting classifications of pathogenicity. Review status: criteria provided, conflicting classifications (1 of 4 stars). 6 submissions from 6 submitters: Pathogenic (3); Likely pathogenic (1); Uncertain significance (2). Last evaluated 2025-12-29.

Conditions:
Joubert syndrome 9 (JBTS9). Identifiers: Orphanet 2318, MedGen C2676788, MONDO:0012849, OMIM 612285.
COACH syndrome 2. Identifiers: MedGen C5436837, MONDO:0030859, OMIM 619111.
Meckel syndrome, type 6. Identifiers: Orphanet 564, MedGen C2676790, MONDO:0012848, OMIM 612284.
Retinitis pigmentosa 93. Identifiers: MedGen C5676970, MONDO:0030797, OMIM 619845.
CC2D2A-related disorder. Also called: CC2D2A-related disorders; CC2D2A-related condition. Identifiers: MedGen CN239313.
Joubert syndrome. Also called: Familial aplasia of the vermis; JOUBERT-BOLTSHAUSER SYNDROME. Identifiers: Orphanet 475, MedGen C5979921, MONDO:0018772.
Meckel-Gruber syndrome. Also called: Dysencephalia splachnocystica; DYSENCEPHALIA SPLANCHNOCYSTICA; GRUBER SYNDROME. Identifiers: Orphanet 564, MedGen C0265215, MONDO:0018921.

Allele frequency attached by ClinVar (database versions not stated): gnomAD 0.00001; TOPMed 0.00001; ExAC 0.00002; gnomAD exomes 0.00002.
gnomAD v4.1: 28 of 1,609,868 alleles (0.0017%); highest among the groups gnomAD compares: Middle Eastern, 0.016%; no homozygotes.

Submissions (6):

Labcorp Genetics (formerly Invitae), Labcorp
Classification: Pathogenic for Joubert syndrome; Meckel-Gruber syndrome. Last evaluated: 2025-12-29. Review status: criteria provided, single submitter. Criteria: Invitae Variant Classification Sherloc (09022015). Collection method: clinical testing. Allele origin: germline.
Comment: This sequence change replaces arginine, which is basic and polar, with glutamine, which is neutral and polar, at codon 1330 of the CC2D2A protein (p.Arg1330Gln). This variant is present in population databases (rs763486732, gnomAD 0.004%). This missense change has been observed in individual(s) with Joubert syndrome (PMID: 26092869; internal data). It has also been observed to segregate with disease in related individuals. ClinVar contains an entry for this variant (Variation ID: 217612). Invitae Evidence Modeling of protein sequence and biophysical properties (such as structural, functional, and spatial information, amino acid conservation, physicochemical variation, residue mobility, and thermodynamic stability) has been performed for this missense variant. However, the output from this modeling did not meet the statistical confidence thresholds required to predict the impact of this variant on CC2D2A protein function. For these reasons, this variant has been classified as Pathogenic.

Fulgent Genetics
Classification: Likely pathogenic for Meckel syndrome, type 6; Joubert syndrome 9; COACH syndrome 2; Retinitis pigmentosa 93. Last evaluated: 2024-06-19. Review status: criteria provided, single submitter. Criteria: ACMG Guidelines, 2015. Collection method: clinical testing. Allele origin: germline.

Women's Health and Genetics/Laboratory Corporation of America, LabCorp
Classification: Uncertain significance. Last evaluated: 2023-07-12. Review status: criteria provided, single submitter. Criteria: LabCorp Variant Classification Summary - May 2015. Collection method: clinical testing. Allele origin: germline.
Comment: Variant summary: CC2D2A c.3989G>A (p.Arg1330Gln) results in a conservative amino acid change in the encoded protein sequence. Three of five in-silico tools predict a benign effect of the variant on protein function. The variant allele was found at a frequency of 2e-05 in 247880 control chromosomes (gnomAD). c.3989G>A has been reported in the literature in individuals affected with Joubert syndrome (example: Bachmann-Gagescu_2015). These data indicate that the variant may be associated with disease. To our knowledge, no experimental evidence demonstrating an impact on protein function has been reported. The following publications have been ascertained in the context of this evaluation (PMID: 22241855, 30055837, 33502066). Three submitters have cited clinical-significance assessments for this variant to ClinVar after 2014 and classified the variant as pathogenic (n=2) and VUS (n=1)Based on the evidence outlined above, the variant was classified as VUS-possibly pathogenic.

Revvity Omics, Revvity
Classification: Uncertain significance. Last evaluated: 2023-04-21. Review status: criteria provided, single submitter. Criteria: ACMG Guidelines, 2015. Collection method: clinical testing. Allele origin: germline.

Blueprint Genetics
Classification: Pathogenic for CC2D2A-related disorders. Last evaluated: 2022-05-03. Review status: criteria provided, single submitter. Criteria: ACMG Guidelines, 2015. Collection method: clinical testing. Allele origin: germline. Affected: yes. Observed: 2 variant alleles.

UW Hindbrain Malformation Research Program, University of Washington
Classification: Pathogenic for Joubert syndrome 9. Last evaluated: 2015-02-23. Review status: criteria provided, single submitter. Criteria: Bachmann-Gagescu et al. (J Med Genet. 2015). Collection method: research. Allele origin: unknown. Affected: yes.

Literature cited by the submitters: PubMed 26092869 (cited by Labcorp Genetics (formerly Invitae), Labcorp); PubMed 22241855 (cited by Women's Health and Genetics/Laboratory Corporation of America, LabCorp); PubMed 30055837 (cited by Women's Health and Genetics/Laboratory Corporation of America, LabCorp); PubMed 33502066 (cited by Women's Health and Genetics/Laboratory Corporation of America, LabCorp).